The following is an entry in ClinVar:

NM_004333.6(BRAF):c.1807C>T (p.Arg603Ter)

Gene: BRAF (B-Raf proto-oncogene, serine/threonine kinase; minus strand). Cytogenetic location: 7q34.
Variant type: single nucleotide variant.
Coding change: c.1807C>T on transcript NM_004333.6 (MANE Select); coding-DNA position 1807, C replaced by T.
Protein change: p.Arg603Ter; replaces arginine 603 with a stop codon.
Molecular consequence: nonsense.
Genome position (GRCh38, 1-based): chr7:140,753,328, G>A on the plus strand (C>T on the coding strand, the complement: BRAF is on the minus strand). VCF-style: chr7-140753328-G-A. GRCh37 (hg19) VCF-style: chr7-140453128-G-A.
Other names: c.1807C>T, p.Arg603Ter (NM_001354609.2, NM_001378468.1, NM_001378474.1); c.1927C>T, p.Arg643Ter (NM_001374244.1, NM_001374258.1); c.1816C>T, p.Arg606Ter (NM_001378467.1); c.1741C>T, p.Arg581Ter (NM_001378469.1); c.1705C>T, p.Arg569Ter (NM_001378470.1); c.1696C>T, p.Arg566Ter (NM_001378471.1); c.1651C>T, p.Arg551Ter (NM_001378472.1, NM_001378473.1); c.1543C>T, p.Arg515Ter (NM_001378475.1); short protein forms R603*, R515*, R551*, R566*, R569*, R581*, R606*, R643*.
Identifiers: ClinVar variation 132952 (VCV000132952.48), dbSNP rs104886015, ClinGen allele CA156280.

ClinVar aggregate classification (germline): Uncertain significance. Review status: criteria provided, multiple submitters, no conflicts (2 of 4 stars). 4 submissions from 4 submitters: Uncertain significance (3). 1 of the submissions does not count toward it. Last evaluated 2022-07-05.

Conditions:
RASopathy. Also called: rasopathies; Noonan spectrum disorder. Identifiers: Orphanet 536391, MedGen C5555857, MONDO:0021060.
Endometrial carcinoma. Also called: Endometrial carcinoma, somatic. Identifiers: MedGen C0476089, MONDO:0002447, OMIM 608089, HP:0012114.

Submissions (4):

Labcorp Genetics (formerly Invitae), Labcorp
Classification: Uncertain significance for RASopathy. Last evaluated: 2022-07-05. Review status: criteria provided, single submitter. Criteria: Invitae Variant Classification Sherloc (09022015). Collection method: clinical testing. Allele origin: germline.
Comment: This sequence change creates a premature translational stop signal (p.Arg603*) in the BRAF gene. It is expected to result in an absent or disrupted protein product. However, the current clinical and genetic evidence is not sufficient to establish whether loss-of-function variants in BRAF cause disease. This variant is not present in population databases (gnomAD no frequency). This variant has not been reported in the literature in individuals affected with BRAF-related conditions. ClinVar contains an entry for this variant (Variation ID: 132952). In summary, the available evidence is currently insufficient to determine the role of this variant in disease. Therefore, it has been classified as a Variant of Uncertain Significance.

GeneDx
Classification: Uncertain significance. Last evaluated: 2021-04-15. Review status: criteria provided, single submitter. Criteria: GeneDx Variant Classification Process June 2021. Collection method: clinical testing. Allele origin: germline. Affected: yes.
Comment: Not observed in large population cohorts (Lek et al., 2016); Nonsense variant predicted to result in protein truncation or nonsense mediated decay in a gene for which loss-of-function is not a known mechanism of disease; Has not been previously published as pathogenic or benign to our knowledge

CeGaT Center for Human Genetics Tuebingen
Classification: Uncertain significance. Last evaluated: 2020-06-01. Review status: criteria provided, single submitter. Criteria: CeGaT Center For Human Genetics Tuebingen Variant Classification Criteria Version 2. Collection method: clinical testing. Allele origin: germline. Affected: yes. Observed: 1 variant allele.

Laboratory of Translational Genomics,  National Cancer Institute
No classification provided. Condition: Endometrial carcinoma. Review status: no classification provided. Collection method: not provided. Allele origin: somatic. Not counted in ClinVar's aggregate classification.
Comment: Endometrial Cancer specimen